The following is an entry in ClinVar:

ClinVar aggregate classification (germline): Uncertain significance (1 of 4 stars; one submission).

Conditions:
Axenfeld-Rieger syndrome type 3 (RIEG3). Also called: AXENFELD-RIEGER ANOMALY WITH CARDIAC DEFECTS AND/OR SENSORINEURAL HEARING LOSS. Identifiers: Orphanet 782, MedGen C2678503, MONDO:0011233, OMIM 602482.

Submission:

Labcorp Genetics (formerly Invitae), Labcorp
Classification: Uncertain significance for Axenfeld-Rieger syndrome type 3. Last evaluated: 2022-05-20. Review status: criteria provided, single submitter. Criteria: Invitae Variant Classification Sherloc (09022015). Collection method: clinical testing. Allele origin: germline.
Comment: In summary, the available evidence is currently insufficient to determine the role of this variant in disease. Therefore, it has been classified as a Variant of Uncertain Significance. Algorithms developed to predict the effect of missense changes on protein structure and function are either unavailable or do not agree on the potential impact of this missense change (SIFT: "Deleterious"; PolyPhen-2: "Benign"; Align-GVGD: "Class C65"). This variant has not been reported in the literature in individuals affected with FOXC1-related conditions. This variant is not present in population databases (gnomAD no frequency). This sequence change replaces serine, which is neutral and polar, with proline, which is neutral and non-polar, at codon 538 of the FOXC1 protein (p.Ser538Pro).

NM_001453.3(FOXC1):c.1612T>C (p.Ser538Pro)

Gene: FOXC1 (forkhead box C1; plus strand). Cytogenetic location: 6p25.3.
Variant type: single nucleotide variant.
Coding change: c.1612T>C on transcript NM_001453.3 (MANE Select); coding-DNA position 1612, T replaced by C.
Protein change: p.Ser538Pro; replaces serine 538 with proline.
Molecular consequence: missense variant.
Genome position (GRCh38, 1-based): chr6:1,612,057, T>C. VCF-style: chr6-1612057-T-C. GRCh37 (hg19) VCF-style: chr6-1612292-T-C.
Other names: short protein forms S538P.
Identifiers: ClinVar variation 2120743 (VCV002120743.4), dbSNP rs1278204046, ClinGen allele CA362561301.
Genomic context (GRCh38, chr6:1,612,057, plus strand): 5'-TTGAACAACTCTCCAGTGAACGGGAATAGTAGCTGTCAAATGGCCTTCCCTTCCAGCCAG[T>C]CTCTGTACCGCACGTCCGGAGCTTTCGTCTACGACTGTAGCAAGTTTTGACACACCCTCA-3'
Protein context (NP_001444.2, residues 528-548): SCQMAFPSSQ[Ser538Pro]LYRTSGAFVY